The following is an entry in ClinVar:

NM_000038.6(APC):c.1312+3_1312+4del

Gene: APC (APC regulator of Wnt signaling pathway; plus strand). Cytogenetic location: 5q22.2.
Variant type: Deletion.
Coding change: c.1312+3_1312+4del on transcript NM_000038.6 (MANE Select); bases 3 to 4 of the intron after coding-DNA position 1312, 2 bases deleted (AT; older notation c.1312+3_1312+4delAT).
Molecular consequence: splice donor variant.
Genome position (GRCh38, 1-based): chr5:112,819,347-112,819,348, AT deleted; deleting any 2 consecutive bases within chr5:112,819,346-112,819,348 gives the same sequence; the c. name uses the placement nearest the transcript's 3' end. VCF-style (leftmost placement, unchanged base first): chr5-112819345-GTA-G. GRCh37 (hg19) VCF-style: chr5-112155042-GTA-G.
Other names: c.1312+3_1312+4del (NM_001354895.2, NM_001127510.3, NM_001354896.2); c.1342+3_1342+4del (NM_001354897.2); c.1039+3_1039+4del (NM_001354902.2); c.1258+3_1258+4del (NM_001127511.3); c.1237+3_1237+4del (NM_001354898.2); c.934+3_934+4del (NM_001354904.2); c.463+3_463+4del (NM_001354906.2); c.1009+3_1009+4del (NM_001354903.2); and 4 more.
Identifiers: ClinVar variation 181775 (VCV000181775.7), dbSNP rs730881228, ClinGen allele CA004192.
Genomic context (GRCh38, chr5:112,819,345, plus strand): 5'-AAACCTGTTGGGAGTGGCAGGAAGCTCATGAACCAGGCATGGACCAGGACAAAAATCCAA[GTA>G]TGTTCTCTATAGTGTACATCGTAGTGCATGTTTCAAAGCAAATGTGAAATTTTTAAACAG-3'

ClinVar aggregate classification (germline): Pathogenic. Review status: criteria provided, multiple submitters, no conflicts (2 of 4 stars). 3 submissions from 2 submitters: Pathogenic (2). 1 of the submissions does not count toward it. Last evaluated 2015-05-12.

Conditions:
Familial adenomatous polyposis 1 (FAP1). Also called: FAMILIAL ADENOMATOUS POLYPOSIS 1, ATTENUATED; POLYPOSIS, ADENOMATOUS INTESTINAL. Identifiers: MedGen C2713442, MONDO:0021056, OMIM 175100. Disease mechanism: loss of function.

Submissions (3):

Labcorp Genetics (formerly Invitae), Labcorp
Classification: Pathogenic for Familial adenomatous polyposis 1. Last evaluated: 2015-05-12. Review status: criteria provided, single submitter. Criteria: Invitae Variant Classification Sherloc (09022015). Collection method: clinical testing. Allele origin: germline.
Comment: For these reasons, this variant has been classified as Pathogenic. While this particular variant has not been published in the literature, multiple substitutions involving the c.1312+3A have been reported to cause exon skipping and are considered pathogenic (PMID: 24599579, 8381580,¬†23159591,¬†17489848). Algorithms developed to predict the effect of nucleotide changes on mRNA splicing indicate that this deletion abrogates the donor splice site for exon 10 of the APC gene. This is expected to disrupt splicing of the APC mRNA. This sequence change affects a highly conserved nucleotide within the donor consensus splice site. This variant has not been published in the literature and is not present in population databases.¬†ClinVar contains an entry for this variant (RCV000159517).

GeneDx
Classification: Pathogenic. Last evaluated: 2014-08-14. Review status: criteria provided, single submitter. Criteria: GeneDx Variant Classification (06012015). Collection method: clinical testing. Allele origin: germline. Affected: yes.
Comment: This pathogenic variant is denoted APC c.1312+(3_4)delAT or IVS10+(3_4)delAT and consists of a deletion of two nucleotides at the +3 to +4 positions in intron 10 of the APC gene. The normal sequence, with the bases that are deleted in brackets, is AAgt[delat]gttc. Multiple in silico models predict this mutation to destroy the nearby natural splice donor site therefore causing abnormal gene splicing. The first adenine (A) nucleotide which is altered is conserved across species and the thymine (T) nucleotide is moderately conserved across species. APC c.1312+(3_4)delAT was not observed in approximately 6,500 individuals of European and African American ancestry in the NHLBI Exome Sequencing Project, suggesting it is not a common benign variant in these populations. Although this variant has not been previously reported to our knowledge, multiple other mutations altering the same splice donor site including APC c.1312+3A>C, APC c.1312+3A>G, and APC c.1312+(3_6)delATGT, lead to aberrant splicing, have been reported in association with a Familial Adenomatous Polyposis (FAP)-associated syndrome, and are considered pathogenic (Nielsen 2007, Olschwang 1993, Aretz 2004, Kerr 2013, Wu 2001). The available information about APC c.1312+(3_4)delAT leads us to classify this mutation as pathogenic.

Labcorp Genetics (formerly Invitae), Labcorp
Classification: Pathogenic for Familial adenomatous polyposis 1. Last evaluated: 2015-05-12. Review status: flagged submission. Criteria: Invitae Variant Classification Sherloc (09022015). Collection method: clinical testing. Allele origin: germline. Not counted in ClinVar's aggregate classification.
Comment: This sequence change affects a highly conserved nucleotide within the donor consensus splice site. This variant has not been published in the literature and is not present in population databases. ClinVar contains an entry for this variant (RCV000159517). While this particular variant has not been published in the literature, multiple substitutions involving the c.1312+3A have been reported to cause exon skipping and are considered pathogenic (PMID: 24599579, 8381580, 23159591, 17489848). Algorithms developed to predict the effect of nucleotide changes on mRNA splicing indicate that this deletion abrogates the donor splice site for exon 10 of the APC gene. This is expected to disrupt splicing of the APC mRNA. For these reasons, this variant has been classified as Pathogenic.
ClinVar note: Reason: This record appears to be redundant with a more recent record from the same submitter.
ClinVar note: Notes: SCV000255243 appears to be redundant with SCV002234058.

Literature cited by the submitters: PubMed 24599579 (cited by Labcorp Genetics (formerly Invitae), Labcorp); PubMed 8381580 (cited by Labcorp Genetics (formerly Invitae), Labcorp).